The following is an entry in ClinVar:

NM_001308093.3(GATA4):c.106C>T (p.Pro36Ser)

Gene: GATA4 (GATA binding protein 4). Cytogenetic location: 8p23.1.
Variant type: single nucleotide variant.
Coding change: c.106C>T on transcript NM_001308093.3 (MANE Select); coding-DNA position 106, C replaced by T.
Protein change: p.Pro36Ser; replaces proline 36 with serine.
Molecular consequence: missense variant. On other transcripts: intron variant (3).
Genome position (GRCh38, 1-based): chr8:11,708,418, C>T. VCF-style: chr8-11708418-C-T. GRCh37 (hg19) VCF-style: chr8-11565927-C-T.
Other names: c.106C>T, p.Pro36Ser (NM_002052.5); c.-6+7640C>T (NM_001308094.2); c.-3+404C>T (NM_001374274.1); c.-3+4114C>T (NM_001374273.1); short protein forms P36S.
Identifiers: ClinVar variation 2579496 (VCV002579496.4), dbSNP rs1431477414, ClinGen allele CA370308884.

ClinVar aggregate classification (germline): Uncertain significance. Review status: criteria provided, multiple submitters, no conflicts (2 of 4 stars). 2 submissions from 2 submitters: Uncertain significance (2). Last evaluated 2025-05-29.

Conditions:
Atrioventricular septal defect 4 (AVSD4). Identifiers: MedGen C3280781, MONDO:0013747, OMIM 614430.

Submissions (2):

Labcorp Genetics (formerly Invitae), Labcorp
Classification: Uncertain significance for Atrioventricular septal defect 4. Last evaluated: 2025-05-29. Review status: criteria provided, single submitter. Criteria: Invitae Variant Classification Sherloc (09022015). Collection method: clinical testing. Allele origin: germline.
Comment: This sequence change replaces proline, which is neutral and non-polar, with serine, which is neutral and polar, at codon 36 of the GATA4 protein (p.Pro36Ser). This variant is not present in population databases (gnomAD no frequency). This missense change has been observed in individual(s) with atrial septal defects (PMID: 24482639). It has also been observed to segregate with disease in related individuals. ClinVar contains an entry for this variant (Variation ID: 2579496). Invitae Evidence Modeling of protein sequence and biophysical properties (such as structural, functional, and spatial information, amino acid conservation, physicochemical variation, residue mobility, and thermodynamic stability) has been performed for this missense variant. However, the output from this modeling did not meet the statistical confidence thresholds required to predict the impact of this variant on GATA4 protein function. In summary, the available evidence is currently insufficient to determine the role of this variant in disease. Therefore, it has been classified as a Variant of Uncertain Significance.

GeneDx
Classification: Uncertain significance. Last evaluated: 2023-03-09. Review status: criteria provided, single submitter. Criteria: GeneDx Variant Classification Process June 2021. Collection method: clinical testing. Allele origin: germline. Affected: yes.
Comment: Not observed at significant frequency in large population cohorts (gnomAD); In silico analysis supports that this missense variant has a deleterious effect on protein structure/function; This variant is associated with the following publications: (PMID: 24482639)

Literature cited by the submitters: PubMed 24482639 (cited by Labcorp Genetics (formerly Invitae), Labcorp).